The following is an entry in ClinVar:

ClinVar aggregate classification (germline): Benign (1 of 4 stars; one submission).

Allele frequency attached by ClinVar (database versions not stated): 1000 Genomes Project 30x 0.00328; 1000 Genomes Project 0.00359.

Submission:

CeGaT Center for Human Genetics Tuebingen
Classification: Benign. Last evaluated: 2025-11-01. Review status: criteria provided, single submitter. Criteria: CeGaT Center For Human Genetics Tuebingen Variant Classification Criteria Version 2. Collection method: clinical testing. Allele origin: germline. Affected: yes. Observed: 12 variant alleles.
Comment: CFH: BS1, BS2

NC_000001.11:g.196651811C>T

Gene: CFH (complement factor H; plus strand). Cytogenetic location: 1q31.3.
Variant type: single nucleotide variant.
Genome position: GRCh38 VCF-style: chr1-196651811-C-T. GRCh37 (hg19) VCF-style: chr1-196620941-C-T.
Identifiers: ClinVar variation 2578592 (VCV002578592.25), dbSNP rs74842824, ClinGen allele CA35821612.
Genomic context (GRCh38, chr1:196,651,811, plus strand): 5'-TGAATAATTGAAGGGTTTATGAAATCCAGAGGATATCACCAGCTGCTGATTTGCACATAC[C>T]AAGAACATGAACATTTTCCAACGGAGAATTTCCCTAGCTTAATAAGAAAAAGTCCAAGAG-3'